The following is an entry in ClinVar:

ClinVar aggregate classification (germline): Uncertain significance. Review status: criteria provided, multiple submitters, no conflicts (2 of 4 stars). 3 submissions from 3 submitters: Uncertain significance (3). Last evaluated 2026-09-09.

Conditions:
Cone-rod dystrophy 13 (CORD13). Identifiers: Orphanet 1872, MedGen C2750720, MONDO:0011987, OMIM 608194.
Leber congenital amaurosis 6 (LCA6). Identifiers: Orphanet 65, MedGen C1854260, MONDO:0013446, OMIM 613826.
Inborn genetic diseases. Identifiers: MedGen C0950123, MeSH D030342.

Allele frequency attached by ClinVar (database versions not stated): gnomAD 0.00003 and 0.00004; TOPMed 0.00006; gnomAD exomes below 0.00001.
gnomAD v4.1: 10 of 1,612,542 alleles (0.00062%); highest among the groups gnomAD compares: Admixed American, 0.0067%; no homozygotes.

Submissions (3):

Ambry Genetics
Classification: Uncertain significance for Inborn genetic diseases. Last evaluated: 2026-09-09. Review status: criteria provided, single submitter. Criteria: Ambry Variant Classification Scheme 2023. Collection method: clinical testing. Allele origin: germline.

Labcorp Genetics (formerly Invitae), Labcorp
Classification: Uncertain significance for Leber congenital amaurosis 6; Cone-rod dystrophy 13. Last evaluated: 2024-11-18. Review status: criteria provided, single submitter. Criteria: Invitae Variant Classification Sherloc (09022015). Collection method: clinical testing. Allele origin: germline.
Comment: This sequence change replaces glutamic acid, which is acidic and polar, with glutamine, which is neutral and polar, at codon 99 of the RPGRIP1 protein (p.Glu99Gln). This variant is not present in population databases (gnomAD no frequency). This variant has not been reported in the literature in individuals affected with RPGRIP1-related conditions. ClinVar contains an entry for this variant (Variation ID: 1506338). Invitae Evidence Modeling of protein sequence and biophysical properties (such as structural, functional, and spatial information, amino acid conservation, physicochemical variation, residue mobility, and thermodynamic stability) indicates that this missense variant is not expected to disrupt RPGRIP1 protein function with a negative predictive value of 80%. In summary, the available evidence is currently insufficient to determine the role of this variant in disease. Therefore, it has been classified as a Variant of Uncertain Significance.

Blueprint Genetics
Classification: Uncertain significance. Last evaluated: 2021-11-16. Review status: criteria provided, single submitter. Criteria: ACMG Guidelines, 2015. Collection method: clinical testing. Allele origin: germline.

NM_020366.4(RPGRIP1):c.295G>C (p.Glu99Gln)

Gene: RPGRIP1 (RPGR interacting protein 1; plus strand). Cytogenetic location: 14q11.2.
Variant type: single nucleotide variant.
Coding change: c.295G>C on transcript NM_020366.4 (MANE Select); coding-DNA position 295, G replaced by C.
Protein change: p.Glu99Gln; replaces glutamic acid 99 with glutamine.
Molecular consequence: missense variant.
Genome position (GRCh38, 1-based): chr14:21,301,042, G>C. VCF-style: chr14-21301042-G-C. GRCh37 (hg19) VCF-style: chr14-21769201-G-C.
Other names: c.295G>C (NM_020366.3); short protein forms E99Q.
Identifiers: ClinVar variation 1506338 (VCV001506338.9), dbSNP rs1436942223, ClinGen allele CA388858637.